The following is an entry in ClinVar:

NM_004525.3(LRP2):c.8846C>T (p.Ser2949Leu)

Gene: LRP2 (LDL receptor related protein 2; minus strand). Cytogenetic location: 2q31.1.
Variant type: single nucleotide variant.
Coding change: c.8846C>T on transcript NM_004525.3 (MANE Select); coding-DNA position 8846, C replaced by T.
Protein change: p.Ser2949Leu; replaces serine 2949 with leucine.
Molecular consequence: missense variant.
Genome position (GRCh38, 1-based): chr2:169,192,018, G>A on the plus strand (C>T on the coding strand, the complement: LRP2 is on the minus strand). VCF-style: chr2-169192018-G-A. GRCh37 (hg19) VCF-style: chr2-170048528-G-A.
Other names: c.8846C>T (NM_004525.2); short protein forms S2949L.
Identifiers: ClinVar variation 1353262 (VCV001353262.8), dbSNP rs200068217, ClinGen allele CA1953732.

ClinVar aggregate classification (germline): Uncertain significance. Review status: criteria provided, multiple submitters, no conflicts (2 of 4 stars). 5 submissions from 5 submitters: Uncertain significance (5). Last evaluated 2024-06-25.

Conditions:
Inborn genetic diseases. Identifiers: MedGen C0950123, MeSH D030342.
Donnai-Barrow syndrome. Also called: FACIOOCULOACOUSTICORENAL SYNDROME; DBS/FOAR SYNDROME. Identifiers: Orphanet 2143, MedGen C1857277, MONDO:0009104, OMIM 222448.

Allele frequency attached by ClinVar (database versions not stated): ExAC 0.00002; gnomAD exomes 0.00002 and 0.00003; gnomAD 0.00004 and 0.00005; TOPMed 0.00005; ESP Exome Variant Server 0.00008.
gnomAD v4.1: 56 of 1,612,256 alleles (0.0035%); highest among the groups gnomAD compares: African/African-American, 0.011%; no homozygotes.

Submissions (5):

Fulgent Genetics
Classification: Uncertain significance for Donnai-Barrow syndrome. Last evaluated: 2024-06-25. Review status: criteria provided, single submitter. Criteria: ACMG Guidelines, 2015. Collection method: clinical testing. Allele origin: germline.

Blueprint Genetics
Classification: Uncertain significance. Last evaluated: 2023-08-10. Review status: criteria provided, single submitter. Criteria: ACMG Guidelines, 2015. Collection method: clinical testing. Allele origin: germline.

Department of Pathology and Laboratory Medicine, Sinai Health System
Classification: Uncertain significance for Donnai-Barrow syndrome. Last evaluated: 2022-07-04. Review status: criteria provided, single submitter. Criteria: ACMG Guidelines, 2015. Collection method: research. Allele origin: germline.

Labcorp Genetics (formerly Invitae), Labcorp
Classification: Uncertain significance. Last evaluated: 2022-03-23. Review status: criteria provided, single submitter. Criteria: Invitae Variant Classification Sherloc (09022015). Collection method: clinical testing. Allele origin: germline.
Comment: This sequence change replaces serine, which is neutral and polar, with leucine, which is neutral and non-polar, at codon 2949 of the LRP2 protein (p.Ser2949Leu). This variant is present in population databases (rs200068217, gnomAD 0.007%). This variant has not been reported in the literature in individuals affected with LRP2-related conditions. Advanced modeling of protein sequence and biophysical properties (such as structural, functional, and spatial information, amino acid conservation, physicochemical variation, residue mobility, and thermodynamic stability) performed at Invitae indicates that this missense variant is not expected to disrupt LRP2 protein function. In summary, the available evidence is currently insufficient to determine the role of this variant in disease. Therefore, it has been classified as a Variant of Uncertain Significance.

Ambry Genetics
Classification: Uncertain significance for Inborn genetic diseases. Last evaluated: 2021-07-21. Review status: criteria provided, single submitter. Criteria: Ambry Variant Classification Scheme 2023. Collection method: clinical testing. Allele origin: germline.